The following is an entry in ClinVar:

ClinVar aggregate classification (germline): Uncertain significance (1 of 4 stars; one submission).

Conditions:
Primary ciliary dyskinesia. Also called: Ciliary dyskinesia. Identifiers: Orphanet 244, MedGen C0008780, MONDO:0016575, HP:0012265.

Submission:

Ambry Genetics
Classification: Uncertain significance for Primary ciliary dyskinesia. Last evaluated: 2015-06-02. Review status: criteria provided, single submitter. Criteria: Ambry Variant Classification Scheme 2023. Collection method: clinical testing. Allele origin: germline.
Comment: The p.N392S variant (also known as c.1175A>G), located in coding exon 12 of the TXNDC3 gene, results from an A to G substitution at nucleotide position 1175. The asparagine at codon 392 is replaced by serine, an amino acid with highly similar properties. This variant was not reported in population based cohorts in the following databases: Database of Single Nucleotide Polymorphisms (dbSNP), NHLBI Exome Sequencing Project (ESP), and 1000 Genomes Project. In the ESP, this variant was not observed in 6503 samples (13006 alleles) with coverage at this position. This amino acid position is not well conserved in available vertebrate species. In addition, this alteration is predicted to be tolerated by in silico analysis.Since supporting evidence is limited at this time, the clinical significance of this variant remains unclear.

NM_016616.5(NME8):c.1175A>G (p.Asn392Ser)

Gene: NME8 (NME/NM23 family member 8; plus strand). Cytogenetic location: 7p14.1.
Variant type: single nucleotide variant.
Coding change: c.1175A>G on transcript NM_016616.5 (MANE Select); coding-DNA position 1175, A replaced by G.
Protein change: p.Asn392Ser; replaces asparagine 392 with serine.
Molecular consequence: missense variant.
Genome position (GRCh38, 1-based): chr7:37,885,180, A>G. VCF-style: chr7-37885180-A-G. GRCh37 (hg19) VCF-style: chr7-37924782-A-G.
Other names: short protein forms N392S.
Identifiers: ClinVar variation 1740471 (VCV001740471.2), dbSNP rs2483659542, ClinGen allele CA367215963.